The following is an entry in ClinVar:

NM_004104.5(FASN):c.6506A>T (p.Glu2169Val)

Gene: FASN (fatty acid synthase; minus strand). Cytogenetic location: 17q25.3.
Variant type: single nucleotide variant.
Coding change: c.6506A>T on transcript NM_004104.5 (MANE Select); coding-DNA position 6506, A replaced by T.
Protein change: p.Glu2169Val; replaces glutamic acid 2169 with valine.
Molecular consequence: missense variant.
Genome position (GRCh38, 1-based): chr17:82,081,253, T>A on the plus strand (A>T on the coding strand, the complement: FASN is on the minus strand). VCF-style: chr17-82081253-T-A. GRCh37 (hg19) VCF-style: chr17-80039129-T-A.
Other names: short protein forms E2169V.
Identifiers: ClinVar variation 1463453 (VCV001463453.8), dbSNP rs2144780951, ClinGen allele CA401600210.

ClinVar aggregate classification (germline): Uncertain significance (1 of 4 stars; one submission).

Conditions:
Epileptic encephalopathy. Identifiers: MedGen C0543888, HP:0200134.

Submission:

Labcorp Genetics (formerly Invitae), Labcorp
Classification: Uncertain significance for Epileptic encephalopathy. Last evaluated: 2022-02-24. Review status: criteria provided, single submitter. Criteria: Invitae Variant Classification Sherloc (09022015). Collection method: clinical testing. Allele origin: germline.
Comment: This sequence change replaces glutamic acid, which is acidic and polar, with valine, which is neutral and non-polar, at codon 2169 of the FASN protein (p.Glu2169Val). This variant is not present in population databases (gnomAD no frequency). This variant has not been reported in the literature in individuals affected with FASN-related conditions. Algorithms developed to predict the effect of missense changes on protein structure and function are either unavailable or do not agree on the potential impact of this missense change (SIFT: "Deleterious"; PolyPhen-2: "Possibly Damaging"; Align-GVGD: "Class C0"). In summary, the available evidence is currently insufficient to determine the role of this variant in disease. Therefore, it has been classified as a Variant of Uncertain Significance.